The following is an entry in ClinVar:

ClinVar aggregate classification (germline): Benign (1 of 4 stars; one submission).

Allele frequency attached by ClinVar (database versions not stated): TOPMed 0.00032; gnomAD 0.00036; 1000 Genomes Project 0.00060; 1000 Genomes Project 30x 0.00062.

Submission:

CeGaT Center for Human Genetics Tuebingen
Classification: Benign. Last evaluated: 2022-07-01. Review status: criteria provided, single submitter. Criteria: CeGaT Center For Human Genetics Tuebingen Variant Classification Criteria Version 2. Collection method: clinical testing. Allele origin: germline. Affected: yes. Observed: 1 variant allele.
Comment: SKI: BS1, BS2

NM_003036.4(SKI):c.969+18344C>T

Gene: SKI (SKI proto-oncogene; plus strand). Cytogenetic location: 1p36.33.
Variant type: single nucleotide variant.
Coding change: c.969+18344C>T on transcript NM_003036.4 (MANE Select); 18344 bases into the intron after coding-DNA position 969, C replaced by T.
Molecular consequence: intron variant.
Genome position (GRCh38, 1-based): chr1:2,248,079, C>T. VCF-style: chr1-2248079-C-T. GRCh37 (hg19) VCF-style: chr1-2179518-C-T.
Identifiers: ClinVar variation 2638076 (VCV002638076.24), dbSNP rs557170653, ClinGen allele CA16893544.